The following is an entry in ClinVar:

ClinVar aggregate classification (germline): Uncertain significance (1 of 4 stars; one submission).

Submission:

Labcorp Genetics (formerly Invitae), Labcorp
Classification: Uncertain significance. Last evaluated: 2022-06-14. Review status: criteria provided, single submitter. Criteria: Invitae Variant Classification Sherloc (09022015). Collection method: clinical testing. Allele origin: germline.
Comment: In summary, the available evidence is currently insufficient to determine the role of this variant in disease. Therefore, it has been classified as a Variant of Uncertain Significance. Advanced modeling of protein sequence and biophysical properties (such as structural, functional, and spatial information, amino acid conservation, physicochemical variation, residue mobility, and thermodynamic stability) performed at Invitae indicates that this missense variant is not expected to disrupt FAT4 protein function. This variant has not been reported in the literature in individuals affected with FAT4-related conditions. This variant is not present in population databases (gnomAD no frequency). This sequence change replaces leucine, which is neutral and non-polar, with proline, which is neutral and non-polar, at codon 191 of the FAT4 protein (p.Leu191Pro).

NM_001291303.3(FAT4):c.572T>C (p.Leu191Pro)

Gene: FAT4 (FAT atypical cadherin 4; plus strand). Cytogenetic location: 4q28.1.
Variant type: single nucleotide variant.
Coding change: c.572T>C on transcript NM_001291303.3 (MANE Select); coding-DNA position 572, T replaced by C.
Protein change: p.Leu191Pro; replaces leucine 191 with proline.
Molecular consequence: missense variant.
Genome position (GRCh38, 1-based): chr4:125,316,983, T>C. VCF-style: chr4-125316983-T-C. GRCh37 (hg19) VCF-style: chr4-126238138-T-C.
Other names: c.572T>C, p.Leu191Pro (NM_001291285.3, NM_024582.6); short protein forms L191P.
Identifiers: ClinVar variation 2006626 (VCV002006626.4), dbSNP rs2530421716, ClinGen allele CA358116078.